The following is an entry in ClinVar:

NM_177438.3(DICER1):c.406G>A (p.Glu136Lys)

Gene: DICER1 (dicer 1, ribonuclease III; minus strand). Cytogenetic location: 14q32.13.
Variant type: single nucleotide variant.
Coding change: c.406G>A on transcript NM_177438.3 (MANE Select); coding-DNA position 406, G replaced by A.
Protein change: p.Glu136Lys; replaces glutamic acid 136 with lysine.
Molecular consequence: missense variant. On other transcripts: 5 prime UTR variant (2), non-coding transcript variant (5), intron variant (6).
Genome position (GRCh38, 1-based): chr14:95,131,541, C>T on the plus strand (G>A on the coding strand, the complement: DICER1 is on the minus strand). VCF-style: chr14-95131541-C-T. GRCh37 (hg19) VCF-style: chr14-95597878-C-T.
Other names: c.406G>A, p.Glu136Lys (NM_001195573.1, NM_001271282.3, NM_001291628.2 and 15 more transcripts); c.124G>A, p.Glu42Lys (NM_001395686.1); c.-53G>A (NM_001395691.1); c.-1163G>A (NM_001395697.1); c.33+974G>A (NM_001395690.1, NM_001395687.1, NM_001395689.1 and 3 more transcripts); short protein forms E42K, E136K.
Identifiers: ClinVar variation 2824237 (VCV002824237.3), dbSNP rs768445477, ClinGen allele CA390888924.

ClinVar aggregate classification (germline): Uncertain significance (1 of 4 stars; one submission).

Conditions:
DICER1-related tumor predisposition. Also called: DICER1-related pleuropulmonary blastoma cancer predisposition syndrome; DICER1 syndrome. Identifiers: Orphanet 284343, MedGen C3839822, MONDO:0100216.

Submission:

Labcorp Genetics (formerly Invitae), Labcorp
Classification: Uncertain significance for DICER1-related tumor predisposition. Last evaluated: 2023-08-31. Review status: criteria provided, single submitter. Criteria: Invitae Variant Classification Sherloc (09022015). Collection method: clinical testing. Allele origin: germline.
Comment: In summary, the available evidence is currently insufficient to determine the role of this variant in disease. Therefore, it has been classified as a Variant of Uncertain Significance. Advanced modeling of protein sequence and biophysical properties (such as structural, functional, and spatial information, amino acid conservation, physicochemical variation, residue mobility, and thermodynamic stability) performed at Invitae indicates that this missense variant is not expected to disrupt DICER1 protein function. This variant has not been reported in the literature in individuals affected with DICER1-related conditions. This variant is not present in population databases (gnomAD no frequency). This sequence change replaces glutamic acid, which is acidic and polar, with lysine, which is basic and polar, at codon 136 of the DICER1 protein (p.Glu136Lys).